The following is an entry in ClinVar:

ClinVar aggregate classification (germline): Likely benign (1 of 4 stars; one submission).

gnomAD v4.1: 299 of 1,614,060 alleles (0.019%); highest among the groups gnomAD compares: Middle Eastern, 0.033%; 2 homozygotes.

Submission:

CeGaT Center for Human Genetics Tuebingen
Classification: Likely benign. Last evaluated: 2026-09-01. Review status: criteria provided, single submitter. Criteria: CeGaT Center For Human Genetics Tuebingen Variant Classification Criteria Version 2. Collection method: clinical testing. Allele origin: germline. Affected: yes. Observed: 1 variant allele.
Comment: CHD6: BP4, BP7

NM_032221.5(CHD6):c.7353G>T (p.Leu2451=)

Gene: CHD6 (chromodomain helicase DNA binding protein 6; minus strand). Cytogenetic location: 20q12.
Variant type: single nucleotide variant.
Coding change: c.7353G>T on transcript NM_032221.5 (MANE Select); coding-DNA position 7353, G replaced by T.
Protein change: p.Leu2451=; no amino-acid change (leucine 2451 retained).
Molecular consequence: synonymous variant.
Genome position (GRCh38, 1-based): chr20:41,405,388, C>A on the plus strand (G>T on the coding strand, the complement: CHD6 is on the minus strand). VCF-style: chr20-41405388-C-A. GRCh37 (hg19) VCF-style: chr20-40034028-C-A.
Identifiers: ClinVar variation 5040900 (VCV005040900.1).
Genomic context (GRCh38, chr20:41,405,388, plus strand): 5'-TCCATTCATGAACAGTGGCCCCATTCCAGAGGGAGAGTCTGCCACAATGGAAGGAGCCTT[C>A]AGGAGTTCGCTCCGAGGCCGCCTCCCCCTCCTGCGGGGGCCCGTATCTCGAAGAATAGGC-3'
Protein context (NP_115597.3, residues 2441-2461): RRGRRPRSEL[Leu2451=]KAPSIVADSP